The following is an entry in ClinVar:

ClinVar aggregate classification (germline): Uncertain significance. Review status: criteria provided, multiple submitters, no conflicts (2 of 4 stars). 2 submissions from 2 submitters: Uncertain significance (2). Last evaluated 2023-10-20.

Allele frequency attached by ClinVar (database versions not stated): ExAC 0.00001; gnomAD 0.00001; gnomAD exomes 0.00001.
gnomAD v4.1: 22 of 1,613,450 alleles (0.0014%); highest among the groups gnomAD compares: Middle Eastern, 0.016%; no homozygotes.

Submissions (2):

Ambry Genetics
Classification: Uncertain significance. Last evaluated: 2023-10-20. Review status: criteria provided, single submitter. Criteria: Ambry Variant Classification Scheme 2023. Collection method: clinical testing. Allele origin: germline.

Labcorp Genetics (formerly Invitae), Labcorp
Classification: Uncertain significance. Last evaluated: 2022-07-06. Review status: criteria provided, single submitter. Criteria: Invitae Variant Classification Sherloc (09022015). Collection method: clinical testing. Allele origin: germline.
Comment: This sequence change replaces threonine, which is neutral and polar, with serine, which is neutral and polar, at codon 1208 of the ATRN protein (p.Thr1208Ser). This variant is present in population databases (rs776075528, gnomAD 0.003%). This variant has not been reported in the literature in individuals affected with ATRN-related conditions. Algorithms developed to predict the effect of missense changes on protein structure and function (SIFT, PolyPhen-2, Align-GVGD) all suggest that this variant is likely to be disruptive. In summary, the available evidence is currently insufficient to determine the role of this variant in disease. Therefore, it has been classified as a Variant of Uncertain Significance.

NM_139321.3(ATRN):c.3623C>G (p.Thr1208Ser)

Gene: ATRN (attractin; plus strand). Cytogenetic location: 20p13.
Variant type: single nucleotide variant.
Coding change: c.3623C>G on transcript NM_139321.3 (MANE Select); coding-DNA position 3623, C replaced by G.
Protein change: p.Thr1208Ser; replaces threonine 1208 with serine.
Molecular consequence: missense variant.
Genome position (GRCh38, 1-based): chr20:3,601,004, C>G. VCF-style: chr20-3601004-C-G. GRCh37 (hg19) VCF-style: chr20-3581651-C-G.
Other names: c.3275C>G, p.Thr1092Ser (NM_001207047.3); c.3623C>G, p.Thr1208Ser (NM_001323332.2, NM_139322.4); c.3623C>G (NM_139321.2); short protein forms T1208S, T1092S.
Identifiers: ClinVar variation 2203038 (VCV002203038.6), dbSNP rs776075528, ClinGen allele CA9744604.